The following is an entry in ClinVar:

NM_000138.5(FBN1):c.2606C>A (p.Ala869Asp)

Gene: FBN1 (fibrillin 1; minus strand). Cytogenetic location: 15q21.1.
Variant type: single nucleotide variant.
Coding change: c.2606C>A on transcript NM_000138.5 (MANE Select); coding-DNA position 2606, C replaced by A.
Protein change: p.Ala869Asp; replaces alanine 869 with aspartic acid.
Molecular consequence: missense variant.
Genome position (GRCh38, 1-based): chr15:48,495,194, G>T on the plus strand (C>A on the coding strand, the complement: FBN1 is on the minus strand). VCF-style: chr15-48495194-G-T. GRCh37 (hg19) VCF-style: chr15-48787391-G-T.
Other names: c.2606C>A, p.Ala869Asp (NM_001406716.1); short protein forms A869D.
Identifiers: ClinVar variation 3386836 (VCV003386836.1).

ClinVar aggregate classification (germline): Uncertain significance (1 of 4 stars; one submission).

Conditions:
Marfan syndrome (MFS). Also called: MARFAN SYNDROME, TYPE I; Marfan syndrome type 1; Marfan's syndrome; FBN1-Related Marfan Syndrome; Marfan syndrome, classic. Identifiers: Orphanet 284963, Orphanet 558, MedGen C0024796, MONDO:0007947, OMIM 154700.

gnomAD v4.1: 2 of 1,614,128 alleles (0.00012%); highest among the groups gnomAD compares: African/African-American, 0.0027%; no homozygotes.

Submission:

All of Us Research Program, National Institutes of Health
Classification: Uncertain significance for Marfan syndrome. Last evaluated: 2024-08-23. Review status: criteria provided, single submitter. Criteria: ACMG Guidelines, 2015. Collection method: clinical testing. Allele origin: germline. Inheritance: Autosomal dominant inheritance. Observed: 1 variant allele, 1 heterozygote.
Comment: This missense variant replaces alanine with aspartic acid at codon 869 of the FBN1 protein. Computational prediction tools indicate that this variant has a deleterious impact on protein structure and function. To our knowledge, functional studies have not been reported for this variant. This variant has not been reported in individuals affected with FBN1-related disorders in the literature. This variant has been identified in 1/251436 chromosomes in the general population by the Genome Aggregation Database (gnomAD). The available evidence is insufficient to determine the role of this variant in disease conclusively. Therefore, this variant is classified as a Variant of Uncertain Significance.

This study involves interpretation of variants in research participants for the purpose of population health screening. Participant phenotype was not available at the time of variant classification. Additional details can be found in publication PMID: 35346344, PMCID: PMC8962531